The following is an entry in ClinVar:

NM_001735.3(C5):c.3298A>G (p.Ile1100Val)

Gene: C5 (complement C5; minus strand). Cytogenetic location: 9q33.2.
Variant type: single nucleotide variant.
Coding change: c.3298A>G on transcript NM_001735.3 (MANE Select); coding-DNA position 3298, A replaced by G.
Protein change: p.Ile1100Val; replaces isoleucine 1100 with valine.
Molecular consequence: missense variant.
Genome position (GRCh38, 1-based): chr9:120,982,747, T>C on the plus strand (A>G on the coding strand, the complement: C5 is on the minus strand). VCF-style: chr9-120982747-T-C. GRCh37 (hg19) VCF-style: chr9-123745025-T-C.
Other names: c.3316A>G, p.Ile1106Val (NM_001317163.2); short protein forms I1100V, I1106V.
Identifiers: ClinVar variation 1936289 (VCV001936289.5), dbSNP rs763218551, ClinGen allele CA5217516.
Genomic context (GRCh38, chr9:120,982,747, plus strand): 5'-CCTTGAAAGATCCATTATCTAATTGATAATTCTCAACTAGCCACAATAAAGAATTACAAA[T>C]TGAATTTTGGTTCTGCTCTACGTATTTATTTACTTGTCCAAGTACTCTTAAAGCAAAAGC-3'
Protein context (NP_001726.2, residues 1090-1110): NKYVEQNQNS[Ile1100Val]CNSLLWLVEN

ClinVar aggregate classification (germline): Uncertain significance (1 of 4 stars; one submission).

Allele frequency attached by ClinVar (database versions not stated): gnomAD exomes below 0.00001; ExAC 0.00001.
gnomAD v4.1: 1 of 1,606,744 alleles (0.000062%); highest among the groups gnomAD compares: South Asian, 0.0011%; no homozygotes.

Submission:

Labcorp Genetics (formerly Invitae), Labcorp
Classification: Uncertain significance. Last evaluated: 2021-12-25. Review status: criteria provided, single submitter. Criteria: Invitae Variant Classification Sherloc (09022015). Collection method: clinical testing. Allele origin: germline.
Comment: This sequence change replaces isoleucine, which is neutral and non-polar, with valine, which is neutral and non-polar, at codon 1100 of the C5 protein (p.Ile1100Val). This variant is present in population databases (rs763218551, gnomAD 0.003%). This variant has not been reported in the literature in individuals affected with C5-related conditions. Algorithms developed to predict the effect of missense changes on protein structure and function (SIFT, PolyPhen-2, Align-GVGD) all suggest that this variant is likely to be tolerated. In summary, the available evidence is currently insufficient to determine the role of this variant in disease. Therefore, it has been classified as a Variant of Uncertain Significance.